The following is an entry in ClinVar:

ClinVar aggregate classification (germline): Uncertain significance (1 of 4 stars; one submission).

Conditions:
Epidermolysis bullosa simplex, Ogna type (EBS5A). Also called: Pidermolysis bullosa simplex 5A, Ogna type; EPIDERMOLYSIS BULLOSA SIMPLEX 5A, OGNA TYPE. Identifiers: Orphanet 79401, MedGen C0432317, MONDO:0007555, OMIM 131950.
Autosomal recessive limb-girdle muscular dystrophy type 2Q (LGMDR17). Also called: MUSCULAR DYSTROPHY, LIMB-GIRDLE, AUTOSOMAL RECESSIVE 17. Identifiers: Orphanet 254361, MedGen C3150989, MONDO:0013390, OMIM 613723.
Epidermolysis bullosa simplex with nail dystrophy (EBS5D). Identifiers: MedGen C4225309, MONDO:0014661, OMIM 616487.
Epidermolysis bullosa simplex 5B, with muscular dystrophy (EBS5B). Also called: Epidermolysis bullosa simplex with muscular dystrophy; EPIDERMOLYSIS BULLOSA SIMPLEX AND LIMB-GIRDLE MUSCULAR DYSTROPHY. Identifiers: Orphanet 257, MedGen C2931072, MONDO:0009181, OMIM 226670.
Epidermolysis bullosa simplex 5C, with pyloric atresia (EBS5C). Also called: PLEC-Related Epidermolysis Bullosa with Pyloric Atresia; Epidermolysis bullosa simplex with pyloric atresia; PLEC1-Related Epidermolysis Bullosa with Pyloric Atresia. Identifiers: Orphanet 158684, MedGen C2677349, MONDO:0012807, OMIM 612138.

Allele frequency attached by ClinVar (database versions not stated): gnomAD below 0.00001 and 0.00001; gnomAD exomes below 0.00001; TOPMed below 0.00001.
gnomAD v4.1: 5 of 1,594,582 alleles (0.00031%); highest among the groups gnomAD compares: African/African-American, 0.0013%; no homozygotes.

Submission:

Labcorp Genetics (formerly Invitae), Labcorp
Classification: Uncertain significance for Autosomal recessive limb-girdle muscular dystrophy type 2Q; Epidermolysis bullosa simplex, Ogna type; Epidermolysis bullosa simplex with nail dystrophy; Epidermolysis bullosa simplex 5C, with pyloric atresia; Epidermolysis bullosa simplex 5B, with muscular dystrophy. Last evaluated: 2020-01-15. Review status: criteria provided, single submitter. Criteria: Invitae Variant Classification Sherloc (09022015). Collection method: clinical testing. Allele origin: germline.
Comment: In summary, the available evidence is currently insufficient to determine the role of this variant in disease. Therefore, it has been classified as a Variant of Uncertain Significance. Algorithms developed to predict the effect of missense changes on protein structure and function are either unavailable or do not agree on the potential impact of this missense change (SIFT: "Tolerated"; PolyPhen-2: "Not Available"; Align-GVGD: "Class C0"). This variant has not been reported in the literature in individuals with PLEC-related conditions. This variant is not present in population databases (ExAC no frequency). This sequence change replaces glutamic acid with lysine at codon 2039 of the PLEC protein (p.Glu2039Lys). The glutamic acid residue is highly conserved and there is a small physicochemical difference between glutamic acid and lysine.

NM_201384.3(PLEC):c.6034G>A (p.Glu2012Lys)

Gene: PLEC (plectin; minus strand). Cytogenetic location: 8q24.3.
Variant type: single nucleotide variant.
Coding change: c.6034G>A on transcript NM_201384.3 (MANE Select); coding-DNA position 6034, G replaced by A.
Protein change: p.Glu2012Lys; replaces glutamic acid 2012 with lysine.
Molecular consequence: missense variant.
Genome position (GRCh38, 1-based): chr8:143,923,895, C>T on the plus strand (G>A on the coding strand, the complement: PLEC is on the minus strand). VCF-style: chr8-143923895-C-T. GRCh37 (hg19) VCF-style: chr8-144998063-C-T.
Other names: c.6115G>A, p.Glu2039Lys (NM_000445.5); c.5992G>A, p.Glu1998Lys (NM_201378.4); c.5968G>A, p.Glu1990Lys (NM_201379.3); c.6445G>A, p.Glu2149Lys (NM_201380.4); c.5938G>A, p.Glu1980Lys (NM_201381.3); c.6034G>A, p.Glu2012Lys (NM_201382.4); c.6046G>A, p.Glu2016Lys (NM_201383.3); short protein forms E1990K, E2039K, E2149K, E1980K, E1998K, E2012K, E2016K.
Identifiers: ClinVar variation 641582 (VCV000641582.6), dbSNP rs1399422584, ClinGen allele CA372539686.